The following is an entry in ClinVar:

NM_001367624.2(ZNF469):c.3067del (p.Arg1023fs)

Gene: ZNF469 (zinc finger protein 469; plus strand). Cytogenetic location: 16q24.2.
Variant type: Deletion.
Coding change: c.3067del on transcript NM_001367624.2 (MANE Select); coding-DNA position 3067, one base deleted (C; older notation c.3067delC).
Protein change: p.Arg1023fs; shifts the reading frame from arginine 1023.
Molecular consequence: frameshift variant.
Genome position (GRCh38, 1-based): chr16:88,430,537, C deleted; the last of 3 consecutive C bases (chr16:88,430,535-88,430,537); deleting any one gives the same sequence. VCF-style (leftmost placement, unchanged base first): chr16-88430534-AC-A. GRCh37 (hg19) VCF-style: chr16-88496942-AC-A.
Other names: short protein forms R1023fs.
Identifiers: ClinVar variation 2012854 (VCV002012854.4), dbSNP rs2507581603, ClinGen allele CA2580092203.

ClinVar aggregate classification (germline): Pathogenic (1 of 4 stars; one submission).

Submission:

Labcorp Genetics (formerly Invitae), Labcorp
Classification: Pathogenic. Last evaluated: 2022-07-01. Review status: criteria provided, single submitter. Criteria: Invitae Variant Classification Sherloc (09022015). Collection method: clinical testing. Allele origin: germline.
Comment: For these reasons, this variant has been classified as Pathogenic. This variant disrupts a region of the ZNF469 protein in which other variant(s) (p.Arg3414Glyfs*59) have been determined to be pathogenic (PMID: 32671420). This suggests that this is a clinically significant region of the protein, and that variants that disrupt it are likely to be disease-causing. This variant has not been reported in the literature in individuals affected with ZNF469-related conditions. This variant is not present in population databases (gnomAD no frequency). This sequence change creates a premature translational stop signal (p.Arg1023Alafs*30) in the ZNF469 gene. While this is not anticipated to result in nonsense mediated decay, it is expected to disrupt the last 2903 amino acid(s) of the ZNF469 protein.

Literature cited by the submitters: PubMed 32671420.